The following is an entry in ClinVar:

NM_152328.5(ADSS1):c.193-5036C>T

Gene: ADSS1 (adenylosuccinate synthase 1; plus strand). Cytogenetic location: 14q32.33.
Variant type: single nucleotide variant.
Coding change: c.193-5036C>T on transcript NM_152328.5 (MANE Select); 5036 bases into the intron before coding-DNA position 193, C replaced by T.
Molecular consequence: intron variant. On other transcripts: 5 prime UTR variant (1), missense variant (1).
Genome position (GRCh38, 1-based): chr14:104,729,984, C>T. VCF-style: chr14-104729984-C-T. GRCh37 (hg19) VCF-style: chr14-105196321-C-T.
Other names: c.-636C>T (NM_001320424.1); c.92C>T, p.Ala31Val (NM_199165.2); short protein forms A31V.
Identifiers: ClinVar variation 1681879 (VCV001681879.3), dbSNP rs148757854, ClinGen allele CA267335119.

ClinVar aggregate classification (germline): Uncertain significance (1 of 4 stars; one submission).

Allele frequency attached by ClinVar (database versions not stated): gnomAD exomes 0.00001; TOPMed 0.00002; gnomAD 0.00003; ESP Exome Variant Server 0.00008.
gnomAD v4.1: 8 of 1,596,940 alleles (0.0005%); highest among the groups gnomAD compares: African/African-American, 0.0013%; no homozygotes.

Submission:

Labcorp Genetics (formerly Invitae), Labcorp
Classification: Uncertain significance. Last evaluated: 2022-01-18. Review status: criteria provided, single submitter. Criteria: Invitae Variant Classification Sherloc (09022015). Collection method: clinical testing. Allele origin: germline.
Comment: This sequence change replaces alanine, which is neutral and non-polar, with valine, which is neutral and non-polar, at codon 31 of the ADSSL1 protein (p.Ala31Val). The frequency data for this variant in the population databases is considered unreliable, as metrics indicate poor data quality at this position in the gnomAD database. This variant has not been reported in the literature in individuals affected with ADSSL1-related conditions. Experimental studies and prediction algorithms are not available or were not evaluated, and the functional significance of this variant is currently unknown. In summary, the available evidence is currently insufficient to determine the role of this variant in disease. Therefore, it has been classified as a Variant of Uncertain Significance.